The following is an entry in ClinVar:

NM_014915.3(ANKRD26):c.3328del (p.Glu1110fs)

Gene: ANKRD26 (ankyrin repeat domain 26; minus strand). Cytogenetic location: 10p12.1.
Variant type: Deletion.
Coding change: c.3328del on transcript NM_014915.3 (MANE Select); coding-DNA position 3328, one base deleted (G; older notation c.3328delG).
Protein change: p.Glu1110fs; shifts the reading frame from glutamic acid 1110.
Molecular consequence: frameshift variant.
Genome position (GRCh38, 1-based): chr10:27,035,122, C deleted on the plus strand (G on the coding strand, the reverse complement: ANKRD26 is on the minus strand); the first of 2 consecutive C bases (chr10:27,035,122-27,035,123); deleting either gives the same sequence. VCF-style (leftmost placement, unchanged base first): chr10-27035121-TC-T. GRCh37 (hg19) VCF-style: chr10-27324050-TC-T.
Other names: c.3325del, p.Glu1109fs (NM_001256053.2); short protein forms E1109fs, E1110fs.
Identifiers: ClinVar variation 3709112 (VCV003709112.2).

ClinVar aggregate classification (germline): Uncertain significance (1 of 4 stars; one submission).

Submission:

Labcorp Genetics (formerly Invitae), Labcorp
Classification: Uncertain significance. Last evaluated: 2024-07-30. Review status: criteria provided, single submitter. Criteria: Invitae Variant Classification Sherloc (09022015). Collection method: clinical testing. Allele origin: germline.
Comment: This sequence change creates a premature translational stop signal (p.Glu1110Lysfs*13) in the ANKRD26 gene. It is expected to result in an absent or disrupted protein product. However, the current clinical and genetic evidence is not sufficient to establish whether loss-of-function variants in ANKRD26 cause disease. This variant is not present in population databases (gnomAD no frequency). This variant has not been reported in the literature in individuals affected with ANKRD26-related conditions. In summary, the available evidence is currently insufficient to determine the role of this variant in disease. Therefore, it has been classified as a Variant of Uncertain Significance.